The following is an entry in ClinVar:

ClinVar aggregate classification (germline): Uncertain significance. Review status: criteria provided, multiple submitters, no conflicts (2 of 4 stars). 2 submissions from 2 submitters: Uncertain significance (2). Last evaluated 2021-06-27.

Conditions:
Cowden syndrome (CS). Also called: Cowden's disease; Cowden's syndrome; Cowden disease. Identifiers: Orphanet 201, MedGen C0018553, MONDO:0016063. Disease mechanism: gain of function.

Submissions (2):

Labcorp Genetics (formerly Invitae), Labcorp
Classification: Uncertain significance for Cowden syndrome. Last evaluated: 2021-06-27. Review status: criteria provided, single submitter. Criteria: Invitae Variant Classification Sherloc (09022015). Collection method: clinical testing. Allele origin: germline.
Comment: In summary, the available evidence is currently insufficient to determine the role of this variant in disease. Therefore, it has been classified as a Variant of Uncertain Significance. Algorithms developed to predict the effect of missense changes on protein structure and function are either unavailable or do not agree on the potential impact of this missense change (SIFT: "Deleterious"; PolyPhen-2: "Possibly Damaging"; Align-GVGD: "Class C0"). This variant has not been reported in the literature in individuals with PIK3CA-related conditions. ClinVar contains an entry for this variant (Variation ID: 809568). This variant is not present in population databases (ExAC no frequency). This sequence change replaces alanine with valine at codon 415 of the PIK3CA protein (p.Ala415Val). The alanine residue is highly conserved and there is a small physicochemical difference between alanine and valine.

CeGaT Center for Human Genetics Tuebingen
Classification: Uncertain significance. Last evaluated: 2019-12-01. Review status: criteria provided, single submitter. Criteria: CeGaT Center For Human Genetics Tuebingen Variant Classification Criteria Version 2. Collection method: clinical testing. Allele origin: germline. Affected: yes. Observed: 3 variant alleles.

NM_006218.4(PIK3CA):c.1244C>T (p.Ala415Val)

Gene: PIK3CA (phosphatidylinositol-4,5-bisphosphate 3-kinase catalytic subunit alpha; plus strand). Cytogenetic location: 3q26.32.
Variant type: single nucleotide variant.
Coding change: c.1244C>T on transcript NM_006218.4 (MANE Select); coding-DNA position 1244, C replaced by T.
Protein change: p.Ala415Val; replaces alanine 415 with valine.
Molecular consequence: missense variant.
Genome position (GRCh38, 1-based): chr3:179,209,693, C>T. VCF-style: chr3-179209693-C-T. GRCh37 (hg19) VCF-style: chr3-178927481-C-T.
Other names: short protein forms A415V.
Identifiers: ClinVar variation 809568 (VCV000809568.49), dbSNP rs1576938120, ClinGen allele CA355261507.
Genomic context (GRCh38, chr3:179,209,693, plus strand): 5'-ATCTTCCTCGTGCTGCTCGACTTTGCCTTTCCATTTGCTCTGTTAAAGGCCGAAAGGGTG[C>T]TAAAGAGGTAAAGTATTTCAGAAGGAACAATTATGTTTACCTTTAAAAACTCCTGATTAT-3'
Protein context (NP_006209.2, residues 405-425): SICSVKGRKG[Ala415Val]KEEHCPLAWG